The following is an entry in ClinVar:

ClinVar aggregate classification (germline): Uncertain significance (1 of 4 stars; one submission).

Submission:

GeneDx
Classification: Uncertain significance. Last evaluated: 2026-04-08. Review status: criteria provided, single submitter. Criteria: GeneDx Variant Classification Process June 2021. Collection method: clinical testing. Allele origin: germline.
Comment: Not observed at significant frequency in large population cohorts (gnomAD); In silico analysis supports that this missense variant has a deleterious effect on protein structure/function; Has not been previously published as pathogenic or benign to our knowledge

NM_001394062.1(MACF1):c.1505T>C (p.Phe502Ser)

Gene: MACF1 (microtubule actin crosslinking factor 1; plus strand). Cytogenetic location: 1p34.3.
Variant type: single nucleotide variant.
Coding change: c.1505T>C on transcript NM_001394062.1 (MANE Select); coding-DNA position 1505, T replaced by C.
Protein change: p.Phe502Ser; replaces phenylalanine 502 with serine.
Molecular consequence: missense variant.
Genome position (GRCh38, 1-based): chr1:39,285,755, T>C. VCF-style: chr1-39285755-T-C. GRCh37 (hg19) VCF-style: chr1-39751427-T-C.
Other names: c.1520T>C, p.Phe507Ser (NM_012090.5); short protein forms F502S, F507S.
Identifiers: ClinVar variation 5018263 (VCV005018263.1).